The following is an entry in ClinVar:

ClinVar aggregate classification (germline): Likely benign (1 of 4 stars; one submission).

Allele frequency attached by ClinVar (database versions not stated): 1000 Genomes Project 0.00020; 1000 Genomes Project 30x 0.00031; TOPMed 0.00059; ESP Exome Variant Server 0.00064; gnomAD exomes 0.00184; ExAC 0.00226; gnomAD 0.00313.

Submission:

CeGaT Center for Human Genetics Tuebingen
Classification: Likely benign. Last evaluated: 2023-10-01. Review status: criteria provided, single submitter. Criteria: CeGaT Center For Human Genetics Tuebingen Variant Classification Criteria Version 2. Collection method: clinical testing. Allele origin: germline. Affected: yes. Observed: 1 variant allele.
Comment: OR6B2: BP4, BP7

NM_001005853.1(OR6B2):c.696C>T (p.Thr232=)

Gene: OR6B2 (olfactory receptor family 6 subfamily B member 2; minus strand). Cytogenetic location: 2q37.3.
Variant type: single nucleotide variant.
Coding change: c.696C>T on transcript NM_001005853.1 (MANE Select); coding-DNA position 696, C replaced by T.
Protein change: p.Thr232=; no amino-acid change (threonine 232 retained).
Molecular consequence: synonymous variant.
Genome position (GRCh38, 1-based): chr2:240,029,734, G>A on the plus strand (C>T on the coding strand, the complement: OR6B2 is on the minus strand). VCF-style: chr2-240029734-G-A. GRCh37 (hg19) VCF-style: chr2-240969151-G-A.
Identifiers: ClinVar variation 2652084 (VCV002652084.24), dbSNP rs200477787, ClinGen allele CA2201260.